The following is an entry in ClinVar:

NM_031935.3(HMCN1):c.16173C>G (p.Tyr5391Ter)

Gene: HMCN1 (hemicentin 1; plus strand). Cytogenetic location: 1q31.1.
Variant type: single nucleotide variant.
Coding change: c.16173C>G on transcript NM_031935.3 (MANE Select); coding-DNA position 16173, C replaced by G.
Protein change: p.Tyr5391Ter; replaces tyrosine 5391 with a stop codon.
Molecular consequence: nonsense.
Genome position (GRCh38, 1-based): chr1:186,178,645, C>G. VCF-style: chr1-186178645-C-G. GRCh37 (hg19) VCF-style: chr1-186147777-C-G.
Other names: short protein forms Y5391*.
Identifiers: ClinVar variation 2117734 (VCV002117734.4), dbSNP rs2528263128, ClinGen allele CA343938723.
Genomic context (GRCh38, chr1:186,178,645, plus strand): 5'-CCTTGCACGGTTCTCCCCTGTGAGAAACAACTATCAACCTCAACAGCATTACAGACAGTA[C>G]TCACATCTCTACAGCTCCTACTCAGAGTATAGAAACAGCAGAACATCTCTCTCCAGGACT-3'

ClinVar aggregate classification (germline): Uncertain significance (1 of 4 stars; one submission).

Allele frequency attached by ClinVar (database versions not stated): gnomAD exomes below 0.00001.
gnomAD v4.1: 1 of 1,613,998 alleles (0.000062%); highest among the groups gnomAD compares: Non-Finnish European, 0.000085%; no homozygotes.

Submission:

Labcorp Genetics (formerly Invitae), Labcorp
Classification: Uncertain significance. Last evaluated: 2023-02-20. Review status: criteria provided, single submitter. Criteria: Invitae Variant Classification Sherloc (09022015). Collection method: clinical testing. Allele origin: germline.
Comment: In summary, the available evidence is currently insufficient to determine the role of this variant in disease. Therefore, it has been classified as a Variant of Uncertain Significance. This variant has not been reported in the literature in individuals affected with HMCN1-related conditions. This variant is not present in population databases (gnomAD no frequency). This sequence change creates a premature translational stop signal (p.Tyr5391*) in the HMCN1 gene. It is expected to result in an absent or disrupted protein product. However, the current clinical and genetic evidence is not sufficient to establish whether loss-of-function variants in HMCN1 cause disease.